The following is an entry in ClinVar:

ClinVar aggregate classification (germline): Uncertain significance (1 of 4 stars; one submission).

Conditions:
MHC class I deficiency. Identifiers: Orphanet 34592, MedGen C6024714, MONDO:0011476.

Submission:

Labcorp Genetics (formerly Invitae), Labcorp
Classification: Uncertain significance for MHC class I deficiency 1. Last evaluated: 2022-02-05. Review status: criteria provided, single submitter. Criteria: Invitae Variant Classification Sherloc (09022015). Collection method: clinical testing. Allele origin: germline.
Comment: In summary, the available evidence is currently insufficient to determine the role of this variant in disease. Therefore, it has been classified as a Variant of Uncertain Significance. Experimental studies and prediction algorithms are not available or were not evaluated, and the functional significance of this variant is currently unknown. ClinVar contains an entry for this variant (Variation ID: 940600). This variant has not been reported in the literature in individuals affected with TAP2-related conditions. This variant is not present in population databases (gnomAD no frequency). This sequence change creates a premature translational stop signal (p.Gln667*) in the TAP2 gene. While this is not anticipated to result in nonsense mediated decay, it is expected to disrupt the last 37 amino acid(s) of the TAP2 protein.

NM_001290043.2(TAP2):c.1999C>T (p.Gln667Ter)

Gene: TAP2 (transporter 2, ATP binding cassette subfamily B member; minus strand). Cytogenetic location: 6p21.32.
Variant type: single nucleotide variant.
Coding change: c.1999C>T on transcript NM_001290043.2 (MANE Select); coding-DNA position 1999, C replaced by T.
Protein change: p.Gln667Ter; replaces glutamine 667 with a stop codon.
Molecular consequence: nonsense. On other transcripts: intron variant (1).
Genome position (GRCh38, 1-based): chr6:32,828,968, G>A on the plus strand (C>T on the coding strand, the complement: TAP2 is on the minus strand). VCF-style: chr6-32828968-G-A. GRCh37 (hg19) VCF-style: chr6-32796745-G-A.
Other names: c.1999C>T, p.Gln667Ter (NM_000544.3); c.1932+432C>T (NM_018833.3); short protein forms Q667*.
Identifiers: ClinVar variation 940600 (VCV000940600.7), dbSNP rs1768852253, ClinGen allele CA363578495.